The following is an entry in ClinVar:

NM_020919.4(ALS2):c.2171-3T>C

Gene: ALS2 (alsin Rho guanine nucleotide exchange factor ALS2; minus strand). Cytogenetic location: 2q33.1.
Variant type: single nucleotide variant.
Coding change: c.2171-3T>C on transcript NM_020919.4 (MANE Select); 3 bases into the intron before coding-DNA position 2171, T replaced by C.
Molecular consequence: intron variant.
Genome position (GRCh38, 1-based): chr2:201,741,857, A>G on the plus strand (T>C on the coding strand, the complement: ALS2 is on the minus strand). VCF-style: chr2-201741857-A-G. GRCh37 (hg19) VCF-style: chr2-202606580-A-G.
Identifiers: ClinVar variation 1447411 (VCV001447411.3), dbSNP rs1250880797, ClinGen allele CA538958128.

ClinVar aggregate classification (germline): Uncertain significance (1 of 4 stars; one submission).

Conditions:
Infantile-onset ascending hereditary spastic paralysis (IAHSP). Also called: Infantile-Onset Ascending Hereditary Spastic Paralysis (IAHSP); Autosomal Recessive Juvenile Amyotrophic Lateral Sclerosis. Identifiers: Orphanet 293168, MedGen C2931441, MONDO:0011797, OMIM 607225. Disease mechanism: loss of function.

Allele frequency attached by ClinVar (database versions not stated): gnomAD exomes below 0.00001; TOPMed 0.00001.
gnomAD v4.1: 8 of 1,609,576 alleles (0.0005%); highest among the groups gnomAD compares: Non-Finnish European, 0.00051%; no homozygotes.

Submission:

Labcorp Genetics (formerly Invitae), Labcorp
Classification: Uncertain significance for Infantile-onset ascending hereditary spastic paralysis. Last evaluated: 2022-10-25. Review status: criteria provided, single submitter. Criteria: Invitae Variant Classification Sherloc (09022015). Collection method: clinical testing. Allele origin: germline.
Comment: This sequence change falls in intron 10 of the ALS2 gene. It does not directly change the encoded amino acid sequence of the ALS2 protein. It affects a nucleotide within the consensus splice site. The frequency data for this variant in the population databases is considered unreliable, as metrics indicate poor data quality at this position in the gnomAD database. This variant has not been reported in the literature in individuals affected with ALS2-related conditions. ClinVar contains an entry for this variant (Variation ID: 1447411). Variants that disrupt the consensus splice site are a relatively common cause of aberrant splicing (PMID: 17576681, 9536098). Algorithms developed to predict the effect of sequence changes on RNA splicing suggest that this variant is not likely to affect RNA splicing. In summary, the available evidence is currently insufficient to determine the role of this variant in disease. Therefore, it has been classified as a Variant of Uncertain Significance.

Literature cited by the submitters: PubMed 17576681; PubMed 9536098.